The following is an entry in ClinVar:

ClinVar aggregate classification (germline): Uncertain significance. Review status: criteria provided, multiple submitters, no conflicts (2 of 4 stars). 4 submissions from 4 submitters: Uncertain significance (4). Last evaluated 2025-05-26.

Conditions:
Cardiovascular phenotype. Identifiers: MedGen CN230736.
Spinocerebellar ataxia type 19/22 (SCA19). Also called: SPINOCEREBELLAR ATAXIA 22; SPINOCEREBELLAR ATAXIA 19. Identifiers: Orphanet 98772, MedGen C1846367, MONDO:0011819, OMIM 607346.

Allele frequency attached by ClinVar (database versions not stated): gnomAD 0.00001; gnomAD exomes 0.00001 and 0.00002; ExAC 0.00003; TOPMed 0.00003.
gnomAD v4.1: 25 of 1,612,692 alleles (0.0016%); highest among the groups gnomAD compares: South Asian, 0.0022%; no homozygotes.

Submissions (4):

Ambry Genetics
Classification: Uncertain significance for Cardiovascular phenotype. Last evaluated: 2025-05-26. Review status: criteria provided, single submitter. Criteria: Ambry Variant Classification Scheme 2023. Collection method: clinical testing. Allele origin: germline.

Labcorp Genetics (formerly Invitae), Labcorp
Classification: Uncertain significance for Spinocerebellar ataxia type 19/22. Last evaluated: 2022-08-21. Review status: criteria provided, single submitter. Criteria: Invitae Variant Classification Sherloc (09022015). Collection method: clinical testing. Allele origin: germline.
Comment: ClinVar contains an entry for this variant (Variation ID: 804951). This variant has not been reported in the literature in individuals affected with KCND3-related conditions. The frequency data for this variant in the population databases is considered unreliable, as metrics indicate poor data quality at this position in the gnomAD database. This sequence change replaces arginine, which is basic and polar, with histidine, which is basic and polar, at codon 426 of the KCND3 protein (p.Arg426His). In summary, the available evidence is currently insufficient to determine the role of this variant in disease. Therefore, it has been classified as a Variant of Uncertain Significance. Algorithms developed to predict the effect of missense changes on protein structure and function (SIFT, PolyPhen-2, Align-GVGD) all suggest that this variant is likely to be disruptive.

AiLife Diagnostics
Classification: Uncertain significance. Last evaluated: 2021-10-11. Review status: criteria provided, single submitter. Criteria: ACMG Guidelines, 2015. Collection method: clinical testing. Allele origin: germline. Affected: yes. Observed: 1 variant allele.

Athena Diagnostics
Classification: Uncertain significance. Last evaluated: 2019-05-10. Review status: criteria provided, single submitter. Criteria: Athena Diagnostics Criteria. Collection method: clinical testing. Allele origin: germline.

NM_001378969.1(KCND3):c.1277G>A (p.Arg426His)

Gene: KCND3 (potassium voltage-gated channel subfamily D member 3; minus strand). Cytogenetic location: 1p13.2.
Variant type: single nucleotide variant.
Coding change: c.1277G>A on transcript NM_001378969.1 (MANE Select); coding-DNA position 1277, G replaced by A.
Protein change: p.Arg426His; replaces arginine 426 with histidine.
Molecular consequence: missense variant.
Genome position (GRCh38, 1-based): chr1:111,780,784, C>T on the plus strand (G>A on the coding strand, the complement: KCND3 is on the minus strand). VCF-style: chr1-111780784-C-T. GRCh37 (hg19) VCF-style: chr1-112323406-C-T.
Other names: c.1277G>A, p.Arg426His (NM_001378970.1, NM_004980.5, NM_172198.3); short protein forms R426H.
Identifiers: ClinVar variation 804951 (VCV000804951.9), dbSNP rs760274429, ClinGen allele CA1007476.